The following is an entry in ClinVar:

NM_001204.7(BMPR2):c.2834C>T (p.Ala945Val)

Gene: BMPR2 (bone morphogenetic protein receptor type 2; plus strand). Cytogenetic location: 2q33.2.
Variant type: single nucleotide variant.
Coding change: c.2834C>T on transcript NM_001204.7 (MANE Select); coding-DNA position 2834, C replaced by T.
Protein change: p.Ala945Val; replaces alanine 945 with valine.
Molecular consequence: missense variant.
Genome position (GRCh38, 1-based): chr2:202,556,499, C>T. VCF-style: chr2-202556499-C-T. GRCh37 (hg19) VCF-style: chr2-203421222-C-T.
Other names: short protein forms A945V.
Identifiers: ClinVar variation 3992236 (VCV003992236.1).

ClinVar aggregate classification (germline): Uncertain significance (1 of 4 stars; one submission).

Conditions:
Inborn genetic diseases. Identifiers: MedGen C0950123, MeSH D030342.

Submission:

Ambry Genetics
Classification: Uncertain significance for Inborn genetic diseases. Last evaluated: 2025-06-14. Review status: criteria provided, single submitter. Criteria: Ambry Variant Classification Scheme 2023. Collection method: clinical testing. Allele origin: germline.
Comment: The p.A945V variant (also known as c.2834C>T), located in coding exon 12 of the BMPR2 gene, results from a C to T substitution at nucleotide position 2834. The alanine at codon 945 is replaced by valine, an amino acid with similar properties. This amino acid position is conserved. In addition, the in silico prediction for this alteration is inconclusive. Based on the available evidence, the clinical significance of this variant remains unclear.